The following is an entry in ClinVar:

NM_001129.5(AEBP1):c.21G>A (p.Ala7=)

Gene: AEBP1 (AE binding protein 1; plus strand). Cytogenetic location: 7p13.
Variant type: single nucleotide variant.
Coding change: c.21G>A on transcript NM_001129.5 (MANE Select); coding-DNA position 21, G replaced by A.
Protein change: p.Ala7=; no amino-acid change (alanine 7 retained).
Molecular consequence: synonymous variant.
Genome position (GRCh38, 1-based): chr7:44,104,686, G>A. VCF-style: chr7-44104686-G-A. GRCh37 (hg19) VCF-style: chr7-44144285-G-A.
Identifiers: ClinVar variation 1321677 (VCV001321677.12), dbSNP rs572403133, ClinGen allele CA4237401.

ClinVar aggregate classification (germline): Benign/Likely benign. Review status: criteria provided, multiple submitters, no conflicts (2 of 4 stars). 4 submissions from 4 submitters: Benign (2); Likely benign (1). 1 of the submissions does not count toward it. Last evaluated 2026-04-06.

Conditions:
AEBP1-related disorder. Also called: AEBP1-related condition.

Allele frequency attached by ClinVar (database versions not stated): gnomAD 0.00014 and 0.00054; TOPMed 0.00020; gnomAD exomes 0.00084 and 0.00223; 1000 Genomes Project 30x 0.00187; 1000 Genomes Project 0.00220; ExAC 0.00697.

Submissions (4):

Women's Health and Genetics/Laboratory Corporation of America, LabCorp
Classification: Benign. Last evaluated: 2026-04-06. Review status: criteria provided, single submitter. Criteria: LabCorp Variant Classification Summary - May 2015. Collection method: clinical testing. Allele origin: germline.

Labcorp Genetics (formerly Invitae), Labcorp
Classification: Benign. Last evaluated: 2026-01-06. Review status: criteria provided, single submitter. Criteria: Invitae Variant Classification Sherloc (09022015). Collection method: clinical testing. Allele origin: germline.

GeneDx
Classification: Likely benign. Last evaluated: 2021-05-13. Review status: criteria provided, single submitter. Criteria: GeneDx Variant Classification Process June 2021. Collection method: clinical testing. Allele origin: germline. Affected: yes.

PreventionGenetics, part of Exact Sciences
Classification: Benign for AEBP1-related condition. Last evaluated: 2019-06-27. Review status: no assertion criteria provided. Collection method: clinical testing. Allele origin: germline. Not counted in ClinVar's aggregate classification.
Comment: This variant is classified as benign based on ACMG/AMP sequence variant interpretation guidelines (Richards et al. 2015 PMID: 25741868, with internal and published modifications).